The following is an entry in ClinVar:

ClinVar aggregate classification (germline): Conflicting classifications of pathogenicity. Review status: criteria provided, conflicting classifications (1 of 4 stars). 2 submissions from 2 submitters: Uncertain significance (1); Likely benign (1). Last evaluated 2025-12-21.

Conditions:
Hereditary cancer-predisposing syndrome. Also called: Tumor predisposition; Hereditary Cancer Syndrome; Neoplastic Syndromes, Hereditary; Hereditary neoplastic syndrome. Identifiers: Orphanet 140162, MedGen C0027672, MeSH D009386, MONDO:0015356.
Ataxia-telangiectasia syndrome (AT). Also called: Cerebello-oculocutaneous telangiectasia; Immunodeficiency with ataxia telangiectasia; Ataxia-telangiectasia, complementation group D; AT, COMPLEMENTATION GROUP C; Ataxia-telangiectasia, complementation group E; LOUIS-BAR SYNDROME. Identifiers: Orphanet 100, MedGen C0004135, MONDO:0008840, OMIM 208900.

Submissions (2):

Labcorp Genetics (formerly Invitae), Labcorp
Classification: Likely benign for Ataxia-telangiectasia syndrome. Last evaluated: 2025-12-21. Review status: criteria provided, single submitter. Criteria: Invitae Variant Classification Sherloc (09022015). Collection method: clinical testing. Allele origin: germline.

Color Diagnostics, LLC DBA Color Health
Classification: Uncertain significance for Hereditary cancer-predisposing syndrome. Last evaluated: 2019-12-19. Review status: criteria provided, single submitter. Criteria: ACMG Guidelines, 2015. Collection method: clinical testing. Allele origin: germline.
Comment: This variant causes a T>C nucleotide substitution at the +6 position of intron 30 of the ATM gene. To our knowledge, functional studies have not been performed for this variant. This variant has not been reported in individuals affected with hereditary cancer in the literature. This variant has not been identified in the general population by the Genome Aggregation Database (gnomAD). Although there is a suspicion that this variant may not be associated with disease, additional studies are necessary to determine the role of this variant in disease conclusively. Therefore, this variant is classified as a Variant of Uncertain Significance.

NM_000051.4(ATM):c.4611+6T>C

Gene: ATM (ATM serine/threonine kinase; plus strand). Cytogenetic location: 11q22.3.
Variant type: single nucleotide variant.
Coding change: c.4611+6T>C on transcript NM_000051.4 (MANE Select); 6 bases into the intron after coding-DNA position 4611, T replaced by C.
Molecular consequence: intron variant.
Genome position (GRCh38, 1-based): chr11:108,292,799, T>C. VCF-style: chr11-108292799-T-C. GRCh37 (hg19) VCF-style: chr11-108163526-T-C.
Other names: c.4611+6T>C (NM_001351834.2).
Identifiers: ClinVar variation 453530 (VCV000453530.10), dbSNP rs1555100047, ClinGen allele CA658656188.